The following is an entry in ClinVar:

ClinVar aggregate classification (germline): Uncertain significance (1 of 4 stars; one submission).

Conditions:
Mitochondrial complex II deficiency, nuclear type 1. Also called: SUCCINATE CoQ REDUCTASE DEFICIENCY. Identifiers: Orphanet 3208, MedGen C5700310, MONDO:0100294, OMIM 252011.
Pheochromocytoma/paraganglioma syndrome 5. Also called: Paragangliomas 5; SDHA-Related Hereditary Paraganglioma-Pheochromocytoma Syndrome. Identifiers: Orphanet 29072, MedGen C3279992, MONDO:0013602, OMIM 614165.

gnomAD v4.1: 1 of 1,613,692 alleles (0.000062%); highest among the groups gnomAD compares: Non-Finnish European, 0.000085%; no homozygotes.

Submission:

Labcorp Genetics (formerly Invitae), Labcorp
Classification: Uncertain significance for Pheochromocytoma/paraganglioma syndrome 5; Mitochondrial complex II deficiency, nuclear type 1. Last evaluated: 2021-08-31. Review status: criteria provided, single submitter. Criteria: Invitae Variant Classification Sherloc (09022015). Collection method: clinical testing. Allele origin: germline.
Comment: This sequence change falls in intron 8 of the SDHA gene. It does not directly change the encoded amino acid sequence of the SDHA protein. It affects a nucleotide within the consensus splice site of the intron. This variant is not present in population databases (ExAC no frequency). This variant has not been reported in the literature in individuals affected with SDHA-related conditions. ClinVar contains an entry for this variant (Variation ID: 472297). Variants that disrupt the consensus splice site are a relatively common cause of aberrant splicing (PMID: 17576681, 9536098). Algorithms developed to predict the effect of sequence changes on RNA splicing suggest that this variant is not likely to affect RNA splicing. In summary, the available evidence is currently insufficient to determine the role of this variant in disease. Therefore, it has been classified as a Variant of Uncertain Significance.

Literature cited by the submitters: PubMed 17576681; PubMed 9536098.

NM_004168.4(SDHA):c.1064+4C>A

Gene: SDHA (succinate dehydrogenase complex flavoprotein subunit A; plus strand). Cytogenetic location: 5p15.33.
Variant type: single nucleotide variant.
Coding change: c.1064+4C>A on transcript NM_004168.4 (MANE Select); 4 bases into the intron after coding-DNA position 1064, C replaced by A.
Molecular consequence: intron variant.
Genome position (GRCh38, 1-based): chr5:233,649, C>A. VCF-style: chr5-233649-C-A. GRCh37 (hg19) VCF-style: chr5-233764-C-A.
Other names: c.1064+4C>A (NM_001330758.2); c.920+4C>A (NM_001294332.2).
Identifiers: ClinVar variation 472297 (VCV000472297.6), dbSNP rs768276870, ClinGen allele CA658657425.